The following is an entry in ClinVar:

NM_001267550.2(TTN):c.86002A>G (p.Ile28668Val)

Genes: TTN-AS1 (TTN antisense RNA 1; plus strand), TTN (titin; minus strand). Cytogenetic location: 2q31.2.
Variant type: single nucleotide variant.
Coding change: c.86002A>G on transcript NM_001267550.2 (MANE Select); coding-DNA position 86002, A replaced by G.
Protein change: p.Ile28668Val; replaces isoleucine 28668 with valine.
Molecular consequence: missense variant.
Genome position (GRCh38, 1-based): chr2:178,560,130, T>C on the plus strand (A>G on the coding strand, the complement: TTN is on the minus strand). VCF-style: chr2-178560130-T-C. GRCh37 (hg19) VCF-style: chr2-179424857-T-C.
Other names: p.I27027V:ATA>GTA; c.81079A>G, p.Ile27027Val (NM_001256850.1); c.58807A>G, p.Ile19603Val (NM_003319.4); c.78298A>G, p.Ile26100Val (NM_133378.4); c.59182A>G, p.Ile19728Val (NM_133432.3); c.59383A>G, p.Ile19795Val (NM_133437.4); short protein forms I27027V, I28668V, I26100V, I19603V, I19728V, I19795V.
Identifiers: ClinVar variation 202932 (VCV000202932.24), dbSNP rs72648225, ClinGen allele CA310728.
Genomic context (GRCh38, chr2:178,560,130, plus strand): 5'-CAGTATATCCAGTTATCGGGGCCCCACCATCAAACAGCGGCTTAACCCAGGCAATAGTTA[T>C]AGTTGTCTTGCCTGAGTCCACAATTTTGGGTTTGGATGGAGGAGATGGTAGGAACACTGG-3'
Protein context (NP_001254479.2, residues 28658-28678): PKIVDSGKTT[Ile28668Val]TIAWVKPLFD

ClinVar aggregate classification (germline): Conflicting classifications of pathogenicity. Review status: criteria provided, conflicting classifications (1 of 4 stars). 12 submissions from 8 submitters: Uncertain significance (5); Benign (2); Likely benign (5). Last evaluated 2026-05-22.

Conditions:
TTN-related disorder. Also called: TTN-related condition; TTN-related disease; TTN-related disorders.
Dilated cardiomyopathy 1G (CMD1G). Identifiers: Orphanet 154, MedGen C1858763, MONDO:0011400, OMIM 604145.
Autosomal recessive limb-girdle muscular dystrophy type 2J (LGMDR10). Also called: Limb-girdle muscular dystrophy, type 2J; MUSCULAR DYSTROPHY, LIMB-GIRDLE, AUTOSOMAL RECESSIVE 10. Identifiers: Orphanet 140922, MedGen C1837342, MONDO:0012127, OMIM 608807.
Cardiovascular phenotype. Identifiers: MedGen CN230736.
Early-onset myopathy with fatal cardiomyopathy (CMYO5). Also called: Salih Myopathy; CONGENITAL MYOPATHY 5 WITH CARDIOMYOPATHY. Identifiers: Orphanet 289377, MedGen C2673677, MONDO:0012714, OMIM 611705. Disease mechanism: loss of function.
Myopathy, myofibrillar, 9, with early respiratory failure (MFM9). Also called: Myopathy, distal, with early respiratory failure, autosomal dominant; MYOPATHY, PROXIMAL, WITH EARLY RESPIRATORY MUSCLE INVOLVEMENT; Hereditary myopathy with early respiratory failure; EDSTROM MYOPATHY. Identifiers: Orphanet 178464, Orphanet 34521, MedGen C1863599, MONDO:0011362, OMIM 603689.
Tibial muscular dystrophy (TMD). Also called: Tibial muscular dystrophy, tardive; Udd Distal Myopathy – Tibial Muscular Dystrophy; UDD MYOPATHY. Identifiers: Orphanet 609, MedGen C1838244, MONDO:0010870, OMIM 600334.

Allele frequency attached by ClinVar (database versions not stated): gnomAD exomes 0.00006 and 0.00010; TOPMed 0.00006; ESP Exome Variant Server 0.00008; ExAC 0.00011; gnomAD 0.00013 and 0.00014.
gnomAD v4.1: 106 of 1,613,574 alleles (0.0066%); highest among the groups gnomAD compares: Non-Finnish European, 0.0053%; no homozygotes.

Submissions (12):

PreventionGenetics, part of Exact Sciences
Classification: Uncertain significance for TTN-related condition. Last evaluated: 2026-05-22. Review status: criteria provided, single submitter. Criteria: ACMG Guidelines, 2015. Collection method: clinical testing. Allele origin: germline.
Comment: The TTN c.86002A>G variant is predicted to result in the amino acid substitution p.Ile28668Val. To our knowledge, this variant has not been reported in the literature. This variant is reported in 0.080% of alleles in individuals of European (Finnish) descent in gnomAD. Although we suspect that this variant may be benign, at this time, the clinical significance of this variant is uncertain due to the absence of conclusive functional and genetic evidence.

Molecular Diagnostic Laboratory for Inherited Cardiovascular Disease, Montreal Heart Institute
Classification: Likely benign. Last evaluated: 2026-03-27. Review status: criteria provided, single submitter. Criteria: ACMG Guidelines, 2015. Collection method: clinical testing. Allele origin: germline. Affected: no.
Comment: BP1

Labcorp Genetics (formerly Invitae), Labcorp
Classification: Likely benign for Dilated cardiomyopathy 1G; Autosomal recessive limb-girdle muscular dystrophy type 2J. Last evaluated: 2026-01-05. Review status: criteria provided, single submitter. Criteria: Invitae Variant Classification Sherloc (09022015). Collection method: clinical testing. Allele origin: germline.

Women's Health and Genetics/Laboratory Corporation of America, LabCorp
Classification: Likely benign. Last evaluated: 2025-05-09. Review status: criteria provided, single submitter. Criteria: LabCorp Variant Classification Summary - May 2015. Collection method: clinical testing. Allele origin: germline.
Comment: Variant summary: TTN c.78298A>G (p.Ile26100Val) results in a conservative amino acid change located in the A-band region of the encoded protein sequence. Algorithms developed to predict the effect of missense changes on protein structure and function are either unavailable or do not agree on the potential impact of this missense change. The variant allele was found at a frequency of 6.6e-05 in 1606584 control chromosomes, predominantly at a frequency of 0.00058 within the Finnish subpopulation in the gnomAD database (v4.1 dataset). The observed variant frequency within Finnish control individuals in the gnomAD database is approximately 1.5 fold of the estimated maximal expected allele frequency for a pathogenic variant in TTN causing Dilated Cardiomyopathy phenotype (0.00039). To our knowledge, no occurrence of c.78298A>G in individuals affected with Dilated Cardiomyopathy and no experimental evidence demonstrating its impact on protein function have been reported. ClinVar contains an entry for this variant (Variation ID: 202932). Based on the evidence outlined above, the variant was classified as likely benign.

Blueprint Genetics
Classification: Likely benign. Last evaluated: 2023-08-23. Review status: criteria provided, single submitter. Criteria: ACMG Guidelines, 2015. Collection method: clinical testing. Allele origin: germline.

GeneDx
Classification: Likely benign. Last evaluated: 2020-01-30. Review status: criteria provided, single submitter. Criteria: GeneDx Variant Classification Process June 2021. Collection method: clinical testing. Allele origin: germline. Affected: yes.

Ambry Genetics
Classification: Uncertain significance for Cardiovascular phenotype. Last evaluated: 2019-09-03. Review status: criteria provided, single submitter. Criteria: Ambry Variant Classification Scheme 2023. Collection method: clinical testing. Allele origin: germline.
Comment: The p.I19603V variant (also known as c.58807A>G), located in coding exon 153 of the TTN gene, results from an A to G substitution at nucleotide position 58807. The isoleucine at codon 19603 is replaced by valine, an amino acid with highly similar properties. This amino acid position is not well conserved in available vertebrate species, and valine is the reference amino acid in other vertebrate species. In addition, this alteration is predicted to be tolerated by in silico analysis. Since supporting evidence is limited at this time, the clinical significance of this alteration remains unclear.

Illumina Laboratory Services, Illumina
Classification: Uncertain significance for Early-onset myopathy with fatal cardiomyopathy. Last evaluated: 2018-01-13. Review status: criteria provided, single submitter. Criteria: ICSL Variant Classification Criteria 13 December 2019. Collection method: clinical testing. Allele origin: germline.

Illumina Laboratory Services, Illumina
Classification: Uncertain significance for Dilated cardiomyopathy 1G. Last evaluated: 2018-01-13. Review status: criteria provided, single submitter. Criteria: ICSL Variant Classification Criteria 13 December 2019. Collection method: clinical testing. Allele origin: germline.

Illumina Laboratory Services, Illumina
Classification: Uncertain significance for Autosomal recessive limb-girdle muscular dystrophy type 2J. Last evaluated: 2018-01-13. Review status: criteria provided, single submitter. Criteria: ICSL Variant Classification Criteria 13 December 2019. Collection method: clinical testing. Allele origin: germline.

Illumina Laboratory Services, Illumina
Classification: Benign for Myopathy, myofibrillar, 9, with early respiratory failure. Last evaluated: 2018-01-13. Review status: criteria provided, single submitter. Criteria: ICSL Variant Classification Criteria 13 December 2019. Collection method: clinical testing. Allele origin: germline.
Comment: This variant was observed in the ICSL laboratory as part of a predisposition screen in an ostensibly healthy population. It had not been previously curated by ICSL or reported in the Human Gene Mutation Database (HGMD: prior to June 1st, 2018), and was therefore a candidate for classification through an automated scoring system. Utilizing variant allele frequency, disease prevalence and penetrance estimates, and inheritance mode, an automated score was calculated to assess if this variant is too frequent to cause the disease. Based on the score and internal cut-off values, a variant classified as benign is not then subjected to further curation. The score for this variant resulted in a classification of benign for this disease.

Illumina Laboratory Services, Illumina
Classification: Benign for Tibial muscular dystrophy. Last evaluated: 2018-01-13. Review status: criteria provided, single submitter. Criteria: ICSL Variant Classification Criteria 13 December 2019. Collection method: clinical testing. Allele origin: germline.
Comment: the same text as in the submission from Illumina Laboratory Services, Illumina above.